The following is an entry in ClinVar:

ClinVar aggregate classification (germline): Uncertain significance. Review status: criteria provided, multiple submitters, no conflicts (2 of 4 stars). 3 submissions from 3 submitters: Uncertain significance (3). Last evaluated 2024-09-23.

Conditions:
Fanconi anemia (FA). Also called: Fanconi's anemia. Identifiers: Orphanet 84, MedGen C0015625, MeSH D005199, MONDO:0019391.
Spermatogenic failure 28. Identifiers: MedGen C4748117, MONDO:0054732, OMIM 618086.
Premature ovarian failure 15. Identifiers: MedGen C4748170, MONDO:0054862, OMIM 618096.

Allele frequency attached by ClinVar (database versions not stated): gnomAD exomes below 0.00001; TOPMed 0.00002; gnomAD 0.00004.
gnomAD v4.1: 7 of 1,613,920 alleles (0.00043%); highest among the groups gnomAD compares: African/African-American, 0.0093%; no homozygotes.

Submissions (3):

GeneDx
Classification: Uncertain significance. Last evaluated: 2024-09-23. Review status: criteria provided, single submitter. Criteria: GeneDx Variant Classification Process June 2021. Collection method: clinical testing. Allele origin: germline. Affected: yes.
Comment: Not observed at significant frequency in large population cohorts (gnomAD); In silico analysis indicates that this missense variant does not alter protein structure/function; Has not been previously published as pathogenic or benign to our knowledge

Fulgent Genetics
Classification: Uncertain significance for Spermatogenic failure 28; Premature ovarian failure 15. Last evaluated: 2021-12-22. Review status: criteria provided, single submitter. Criteria: ACMG Guidelines, 2015. Collection method: clinical testing. Allele origin: unknown.

Labcorp Genetics (formerly Invitae), Labcorp
Classification: Uncertain significance for Fanconi anemia. Last evaluated: 2019-06-04. Review status: criteria provided, single submitter. Criteria: Invitae Variant Classification Sherloc (09022015). Collection method: clinical testing. Allele origin: germline.
Comment: In summary, the available evidence is currently insufficient to determine the role of this variant in disease. Therefore, it has been classified as a Variant of Uncertain Significance. Algorithms developed to predict the effect of missense changes on protein structure and function (SIFT, PolyPhen-2, Align-GVGD) all suggest that this variant is likely to be tolerated, but these predictions have not been confirmed by published functional studies and their clinical significance is uncertain. This variant has not been reported in the literature in individuals with FANCM-related conditions. This variant is not present in population databases (ExAC no frequency). This sequence change replaces serine with phenylalanine at codon 1158 of the FANCM protein (p.Ser1158Phe). The serine residue is weakly conserved and there is a large physicochemical difference between serine and phenylalanine.

NM_020937.4(FANCM):c.3473C>T (p.Ser1158Phe)

Gene: FANCM (FA complementation group M; plus strand). Cytogenetic location: 14q21.2.
Variant type: single nucleotide variant.
Coding change: c.3473C>T on transcript NM_020937.4 (MANE Select); coding-DNA position 3473, C replaced by T.
Protein change: p.Ser1158Phe; replaces serine 1158 with phenylalanine.
Molecular consequence: missense variant.
Genome position (GRCh38, 1-based): chr14:45,176,227, C>T. VCF-style: chr14-45176227-C-T. GRCh37 (hg19) VCF-style: chr14-45645430-C-T.
Other names: c.3395C>T, p.Ser1132Phe (NM_001308133.2); short protein forms S1158F, S1132F.
Identifiers: ClinVar variation 941957 (VCV000941957.11), dbSNP rs952413457, ClinGen allele CA259628314.